The following is an entry in ClinVar:

NM_001384732.1(CPLANE1):c.8707G>T (p.Ala2903Ser)

Gene: CPLANE1 (ciliogenesis and planar polarity effector complex subunit 1; minus strand). Cytogenetic location: 5p13.2.
Variant type: single nucleotide variant.
Coding change: c.8707G>T on transcript NM_001384732.1 (MANE Select); coding-DNA position 8707, G replaced by T.
Protein change: p.Ala2903Ser; replaces alanine 2903 with serine.
Molecular consequence: missense variant.
Genome position (GRCh38, 1-based): chr5:37,138,805, C>A on the plus strand (G>T on the coding strand, the complement: CPLANE1 is on the minus strand). VCF-style: chr5-37138805-C-A. GRCh37 (hg19) VCF-style: chr5-37138907-C-A.
Other names: c.8545G>T, p.Ala2849Ser (NM_023073.4); short protein forms A2903S, A2849S.
Identifiers: ClinVar variation 2056722 (VCV002056722.1), dbSNP rs1219639210, ClinGen allele CA359505745.
Genomic context (GRCh38, chr5:37,138,805, plus strand): 5'-TTAAGCCAAGTTCTTCACTGGAAACTCCGTCTTTAATTATAAGGTCATCAATAATGTCTG[C>A]AATATCAGTCAATCCAGTCATCTGGAGCGGATGTACTGAAACACTTCATTTGCAAATGTA-3'
Protein context (NP_001371661.1, residues 2893-2913): PLQMTGLTDI[Ala2903Ser]DIIDDLIIKD

ClinVar aggregate classification (germline): Uncertain significance (1 of 4 stars; one submission).

Allele frequency attached by ClinVar (database versions not stated): gnomAD exomes below 0.00001.
gnomAD v4.1: 2 of 1,612,486 alleles (0.00012%); highest among the groups gnomAD compares: Non-Finnish European, 0.000085%; no homozygotes.

Submission:

Labcorp Genetics (formerly Invitae), Labcorp
Classification: Uncertain significance. Last evaluated: 2022-08-21. Review status: criteria provided, single submitter. Criteria: Invitae Variant Classification Sherloc (09022015). Collection method: clinical testing. Allele origin: germline.
Comment: This sequence change replaces alanine, which is neutral and non-polar, with serine, which is neutral and polar, at codon 2849 of the CPLANE1 protein (p.Ala2849Ser). This variant is present in population databases (no rsID available, gnomAD 0.0009%). This variant has not been reported in the literature in individuals affected with CPLANE1-related conditions. Advanced modeling of protein sequence and biophysical properties (such as structural, functional, and spatial information, amino acid conservation, physicochemical variation, residue mobility, and thermodynamic stability) performed at Invitae indicates that this missense variant is not expected to disrupt CPLANE1 protein function. In summary, the available evidence is currently insufficient to determine the role of this variant in disease. Therefore, it has been classified as a Variant of Uncertain Significance.